The following is an entry in ClinVar:

NC_000015.10:g.84817237G>T

Gene: ALPK3 (alpha kinase 3; plus strand). Cytogenetic location: 15q25.3.
Variant type: single nucleotide variant.
Genome position: GRCh38 VCF-style: chr15-84817237-G-T. GRCh37 (hg19) VCF-style: chr15-85360468-G-T.
Identifiers: ClinVar variation 2795112 (VCV002795112.3), dbSNP rs2505688630, ClinGen allele CA393368816.

ClinVar aggregate classification (germline): Uncertain significance (1 of 4 stars; one submission).

Submission:

Labcorp Genetics (formerly Invitae), Labcorp
Classification: Uncertain significance. Last evaluated: 2023-03-13. Review status: criteria provided, single submitter. Criteria: Invitae Variant Classification Sherloc (09022015). Collection method: clinical testing. Allele origin: germline.
Comment: In summary, the available evidence is currently insufficient to determine the role of this variant in disease. Therefore, it has been classified as a Variant of Uncertain Significance. An algorithm developed to predict the effect of missense changes on protein structure and function (PolyPhen-2) suggests that this variant is likely to be tolerated. This variant has not been reported in the literature in individuals affected with ALPK3-related conditions. This variant is not present in population databases (gnomAD no frequency). This sequence change replaces alanine, which is neutral and non-polar, with serine, which is neutral and polar, at codon 131 of the ALPK3 protein (p.Ala131Ser).